The following is an entry in ClinVar:

NM_003200.5(TCF3):c.1148A>T (p.Asp383Val)

Gene: TCF3 (transcription factor 3; minus strand). Cytogenetic location: 19p13.3.
Variant type: single nucleotide variant.
Coding change: c.1148A>T on transcript NM_003200.5 (MANE Select); coding-DNA position 1148, A replaced by T.
Protein change: p.Asp383Val; replaces aspartic acid 383 with valine.
Molecular consequence: missense variant.
Genome position (GRCh38, 1-based): chr19:1,619,799, T>A on the plus strand (A>T on the coding strand, the complement: TCF3 is on the minus strand). VCF-style: chr19-1619799-T-A. GRCh37 (hg19) VCF-style: chr19-1619798-T-A.
Other names: c.1148A>T, p.Asp383Val (NM_001136139.4, NM_001351778.2, NM_001351779.2); short protein forms D383V.
Identifiers: ClinVar variation 4810856 (VCV004810856.1).

ClinVar aggregate classification (germline): Uncertain significance (1 of 4 stars; one submission).

gnomAD v4.1: 26 of 1,561,792 alleles (0.0017%); highest among the groups gnomAD compares: South Asian, 0.031%; no homozygotes.

Submission:

Labcorp Genetics (formerly Invitae), Labcorp
Classification: Uncertain significance. Last evaluated: 2025-10-29. Review status: criteria provided, single submitter. Criteria: Invitae Variant Classification Sherloc (09022015). Collection method: clinical testing. Allele origin: germline.
Comment: This sequence change replaces aspartic acid, which is acidic and polar, with valine, which is neutral and non-polar, at codon 383 of the TCF3 protein (p.Asp383Val). This variant is present in population databases (rs748192533, gnomAD 0.05%). This variant has not been reported in the literature in individuals affected with TCF3-related conditions. Invitae Evidence Modeling of protein sequence and biophysical properties (such as structural, functional, and spatial information, amino acid conservation, physicochemical variation, residue mobility, and thermodynamic stability) indicates that this missense variant is not expected to disrupt TCF3 protein function with a negative predictive value of 80%. In summary, the available evidence is currently insufficient to determine the role of this variant in disease. Therefore, it has been classified as a Variant of Uncertain Significance.